The following is an entry in ClinVar:

ClinVar aggregate classification (germline): Uncertain significance (1 of 4 stars; one submission).

Conditions:
Hereditary cancer-predisposing syndrome. Also called: Neoplastic Syndromes, Hereditary; Tumor predisposition; Hereditary neoplastic syndrome; Hereditary Cancer Syndrome. Identifiers: Orphanet 140162, MedGen C0027672, MeSH D009386, MONDO:0015356.

Submission:

Ambry Genetics
Classification: Uncertain significance for Hereditary cancer-predisposing syndrome. Last evaluated: 2026-07-09. Review status: criteria provided, single submitter. Criteria: Ambry Variant Classification Scheme 2023. Collection method: clinical testing. Allele origin: germline.
Comment: The c.18_20delCCTinsACA variant, located in coding exon 1 of the SDHB gene, results from an in-frame deletion of CCT and insertion of ACA at nucleotide positions 18 to 20. This results in the substitution of the leucine residue for a histidine residue at codon 7, an amino acid with similar properties. This amino acid position is poorly conserved in available vertebrate species. In addition, the in silico prediction for this alteration is inconclusive. Based on the available evidence, the clinical significance of this variant remains unclear.

NM_003000.3(SDHB):c.18_20delinsACA (p.Leu7His)

Gene: SDHB (succinate dehydrogenase complex iron sulfur subunit B; minus strand). Cytogenetic location: 1p36.13.
Variant type: Indel.
Coding change: c.18_20delinsACA on transcript NM_003000.3 (MANE Select); coding-DNA positions 18 to 20, CCT replaced by ACA.
Protein change: p.Leu7His; replaces leucine 7 with histidine.
Molecular consequence: missense variant.
Genome position (GRCh38, 1-based): chr1:17,054,000-17,054,002, AGG replaced by TGT on the plus strand (CCT replaced by ACA on the coding strand, the reverse complement: SDHB is on the minus strand). VCF-style: chr1-17054000-AGG-TGT. GRCh37 (hg19) VCF-style: chr1-17380495-AGG-TGT.
Other names: c.18_20delinsACA, p.Leu7His (NM_001407361.1); short protein forms L7H.
Identifiers: ClinVar variation 5029268 (VCV005029268.1).
Genomic context (GRCh38, chr1:17,054,000, plus strand): 5'-GGACTCACCTGCAGGCAGGCTCCGCCAAGGGTTGTGGCCGGCAACCGGCGCCTCAAGGAG[AGG>TGT]GCGACCACCGCCGCCATCTTGGCTCCTGACGTCAGCCCCACCCCTTAACCCCGAGGTCGC-3'
Protein context (NP_002991.2, residues 1-17): MAAVVA[Leu7His]SLRRRLPATT